The following is an entry in ClinVar:

NM_001127511.3(APC):c.-134_-133insGG

Gene: APC (APC regulator of Wnt signaling pathway; plus strand). Cytogenetic location: 5q22.2.
Variant type: Insertion.
Coding change: c.-134_-133insGG on transcript NM_001127511.3; 134 bases upstream of the start codon through 133 bases upstream of the start codon, GG inserted.
Molecular consequence: 5 prime UTR variant. On other transcripts: non-coding transcript variant (2).
Genome position: GRCh38 VCF-style: chr5-112707584-T-TGG. GRCh37 (hg19) VCF-style: chr5-112043281-T-TGG.
Other names: c.-317_-316insGG (NM_001354895.2, NM_001407447.1, NM_001407452.1 and 3 more transcripts); c.-134_-133insGG (NM_001354897.2, NM_001354902.2, NM_001407446.1); c.-84_-83insGG (NM_001407448.1, NM_001407450.1, NM_001407457.1 and 1 more transcripts); c.-108_-107insGG (NM_001407453.1); c.-1352_-1351insGG (NM_001407470.1, NM_001407472.1).
Identifiers: ClinVar variation 1167507 (VCV001167507.32), dbSNP rs1561393341, ClinGen allele CA561890252.

ClinVar aggregate classification (germline): Benign/Likely benign. Review status: criteria provided, multiple submitters, no conflicts (2 of 4 stars). 3 submissions from 3 submitters: Benign (1); Likely benign (2). Last evaluated 2026-02-03.

Conditions:
Familial adenomatous polyposis 1 (FAP1). Also called: FAMILIAL ADENOMATOUS POLYPOSIS 1, ATTENUATED; POLYPOSIS, ADENOMATOUS INTESTINAL. Identifiers: MedGen C2713442, MONDO:0021056, OMIM 175100. Disease mechanism: loss of function.

Submissions (3):

Labcorp Genetics (formerly Invitae), Labcorp
Classification: Benign for Familial adenomatous polyposis 1. Last evaluated: 2026-02-03. Review status: criteria provided, single submitter. Criteria: Invitae Variant Classification Sherloc (09022015). Collection method: clinical testing. Allele origin: germline.

Blueprint Genetics
Classification: Likely benign. Last evaluated: 2024-08-22. Review status: criteria provided, single submitter. Criteria: ACMG Guidelines, 2015. Collection method: clinical testing. Allele origin: germline.

CeGaT Center for Human Genetics Tuebingen
Classification: Likely benign. Last evaluated: 2022-11-01. Review status: criteria provided, single submitter. Criteria: CeGaT Center For Human Genetics Tuebingen Variant Classification Criteria Version 2. Collection method: clinical testing. Allele origin: germline. Affected: yes. Observed: 1 variant allele.
Comment: APC: BS1